The following is an entry in ClinVar:

NM_018006.5(TRMU):c.711_713delinsT (p.Gln238fs)

Gene: TRMU (tRNA mitochondrial 2-thiouridylase; plus strand). Cytogenetic location: 22q13.31.
Variant type: Indel.
Coding change: c.711_713delinsT on transcript NM_018006.5 (MANE Select); coding-DNA positions 711 to 713, GCA replaced by T.
Protein change: p.Gln238fs; shifts the reading frame from glutamine 238.
Molecular consequence: frameshift variant. On other transcripts: non-coding transcript variant (2).
Genome position (GRCh38, 1-based): chr22:46,352,269-46,352,271, GCA replaced by T. VCF-style: chr22-46352269-GCA-T. GRCh37 (hg19) VCF-style: chr22-46748166-GCA-T.
Other names: c.369_371delinsT, p.Gln124fs (NM_001282782.2); c.291_293delinsT, p.Gln98fs (NM_001282783.2, NM_001282784.2); c.711_713delinsT, p.Gln238fs (NM_001282785.2); short protein forms Q124fs, Q238fs, Q98fs.
Identifiers: ClinVar variation 5010692 (VCV005010692.1).
Genomic context (GRCh38, chr22:46,352,269, plus strand): 5'-TGCGTGTCTGCCCTGGGCCTAGATCTCCGTCGGTAATGACATGTTTGTTTTCCAGTATCT[GCA>T]GCCTCGACCTGGTCACTTTATTTCCATAGAAGACAATAAGGTTCTGGGAACACATAAAGG-3'

ClinVar aggregate classification (germline): Pathogenic (1 of 4 stars; one submission).

Conditions:
Acute infantile liver failure due to synthesis defect of mtDNA-encoded proteins. Also called: Liver failure acute infantile; LIVER FAILURE, INFANTILE, TRANSIENT; TRMU Deficiency. Identifiers: Orphanet 217371, MedGen C3278664, MONDO:0013111, OMIM 613070.

Submission:

Myriad Genetics, Inc.
Classification: Pathogenic for Acute infantile liver failure due to synthesis defect of mtDNA-encoded proteins. Last evaluated: 2024-05-14. Review status: criteria provided, single submitter. Criteria: Myriad Autosomal Dominant, Autosomal Recessive and X-Linked Classification Criteria (2023). Collection method: clinical testing. Allele origin: unknown.
Comment: NM_018006.4(TRMU):c.711_713delGCAinsT(Q238Afs*13) is expected to be pathogenic in the context of acute liver failure, TRMU-related. This variant is predicted to lead to an abnormal or absent protein product due to the creation of a premature termination codon in TRMU, a gene where loss-of-function variants are known to be pathogenic. Please note: this variant was assessed in the context of healthy population screening.